The following is an entry in ClinVar:

ClinVar aggregate classification (germline): Uncertain significance (1 of 4 stars; one submission).

Conditions:
Inborn genetic diseases. Identifiers: MedGen C0950123, MeSH D030342.

Submission:

Ambry Genetics
Classification: Uncertain significance for Inborn genetic diseases. Last evaluated: 2025-06-24. Review status: criteria provided, single submitter. Criteria: Ambry Variant Classification Scheme 2023. Collection method: clinical testing. Allele origin: germline.
Comment: The p.F1238S variant (also known as c.3713T>C), located in coding exon 13 of the ASXL1 gene, results from a T to C substitution at nucleotide position 3713. The phenylalanine at codon 1238 is replaced by serine, an amino acid with highly dissimilar properties. This amino acid position is conserved. In addition, this alteration is predicted to be tolerated by in silico analysis. Based on the available evidence, the clinical significance of this variant remains unclear.

NM_015338.6(ASXL1):c.3713T>C (p.Phe1238Ser)

Gene: ASXL1 (ASXL transcriptional regulator 1; plus strand). Cytogenetic location: 20q11.21.
Variant type: single nucleotide variant.
Coding change: c.3713T>C on transcript NM_015338.6 (MANE Select); coding-DNA position 3713, T replaced by C.
Protein change: p.Phe1238Ser; replaces phenylalanine 1238 with serine.
Molecular consequence: missense variant.
Genome position (GRCh38, 1-based): chr20:32,436,425, T>C. VCF-style: chr20-32436425-T-C. GRCh37 (hg19) VCF-style: chr20-31024228-T-C.
Other names: c.3530T>C, p.Phe1177Ser (NM_001363734.1); short protein forms F1238S, F1177S.
Identifiers: ClinVar variation 4157895 (VCV004157895.1).